The following is an entry in ClinVar:

ClinVar aggregate classification (germline): Uncertain significance (1 of 4 stars; one submission).

Conditions:
Hereditary cancer-predisposing syndrome. Also called: Hereditary neoplastic syndrome; Neoplastic Syndromes, Hereditary; Tumor predisposition; Hereditary Cancer Syndrome. Identifiers: Orphanet 140162, MedGen C0027672, MeSH D009386, MONDO:0015356.

Submission:

Ambry Genetics
Classification: Uncertain significance for Hereditary cancer-predisposing syndrome. Last evaluated: 2021-06-08. Review status: criteria provided, single submitter. Criteria: Ambry Variant Classification Scheme 2023. Collection method: clinical testing. Allele origin: germline.
Comment: The c.7245_7268del24 variant (also known as p.L2416_E2423del) is located in coding exon 48 of the ATM gene. This variant results from an in-frame TCTCCTGAAAAGAGCCAAAGAGGA deletion at nucleotide positions 7245 to 7268. This results in the in-frame deletion of 8 amino acids at codon 2416. This amino acid region is well conserved in available vertebrate species. In silico splice site analysis predicts that this alteration will weaken the native splice donor site. Since supporting evidence is limited at this time, the clinical significance of this alteration remains unclear.

NM_000051.4(ATM):c.7245_7268del (p.Leu2416_Glu2423del)

Genes: ATM (ATM serine/threonine kinase; plus strand), C11orf65 (chromosome 11 open reading frame 65; minus strand). Cytogenetic location: 11q22.3.
Variant type: Deletion.
Coding change: c.7245_7268del on transcript NM_000051.4 (MANE Select); coding-DNA positions 7245 to 7268, 24 bases deleted (TCTCCTGAAAAGAGCCAAAGAGGA).
Protein change: p.Leu2416_Glu2423del.
Molecular consequence: inframe deletion. On other transcripts: intron variant (2).
Genome position (GRCh38, 1-based): chr11:108,329,176-108,329,199, TCTCCTGAAAAGAGCCAAAGAGGA deleted. VCF-style (leftmost placement, unchanged base first): chr11-108329175-CTCTCCTGAAAAGAGCCAAAGAGGA-C. GRCh37 (hg19) VCF-style: chr11-108199902-CTCTCCTGAAAAGAGCCAAAGAGGA-C.
Other names: c.7245_7268del, p.Leu2416_Glu2423del (NM_001351834.2); c.641-20128_641-20105del (NM_001330368.2); c.*38+6021_*38+6044del (NM_001351110.2).
Identifiers: ClinVar variation 1757883 (VCV001757883.2), dbSNP rs2547249927, ClinGen allele CA2580083328.
Genomic context (GRCh38, chr11:108,329,175, plus strand): 5'-ATACTCAATACCAAAGAATTGAAAACTACATGAAATCATCGGAATTTGAAAACAAGCAAG[CTCTCCTGAAAAGAGCCAAAGAGGA>C]AGTAGGTCTCCTTAGGGAACATAAAATTCAGACAAACAGGTAACTAGGTTTCTACAAGTG-3'